The following is an entry in ClinVar:

ClinVar aggregate classification (germline): Uncertain significance (1 of 4 stars; one submission).

Conditions:
ARFGEF1-related disorder. Also called: ARFGEF1-related condition.

Submission:

PreventionGenetics, part of Exact Sciences
Classification: Uncertain significance for ARFGEF1-related condition. Last evaluated: 2025-01-07. Review status: criteria provided, single submitter. Criteria: ACMG Guidelines, 2015. Collection method: clinical testing. Allele origin: germline.
Comment: The ARFGEF1 c.3785A>C variant is predicted to result in the amino acid substitution p.Gln1262Pro. To our knowledge, this variant has not been reported in the literature or in a large population database (gnomAD), indicating this variant is rare. At this time, the clinical significance of this variant is uncertain due to the absence of conclusive functional and genetic evidence.

NM_006421.5(ARFGEF1):c.3785A>C (p.Gln1262Pro)

Gene: ARFGEF1 (ARF guanine nucleotide exchange factor 1; minus strand). Cytogenetic location: 8q13.2.
Variant type: single nucleotide variant.
Coding change: c.3785A>C on transcript NM_006421.5 (MANE Select); coding-DNA position 3785, A replaced by C.
Protein change: p.Gln1262Pro; replaces glutamine 1262 with proline.
Molecular consequence: missense variant. On other transcripts: non-coding transcript variant (1).
Genome position (GRCh38, 1-based): chr8:67,227,268, T>G on the plus strand (A>C on the coding strand, the complement: ARFGEF1 is on the minus strand). VCF-style: chr8-67227268-T-G. GRCh37 (hg19) VCF-style: chr8-68139503-T-G.
Other names: c.3785A>C, p.Gln1262Pro (NM_001413184.1, NM_001413185.1, NM_001413186.1 and 6 more transcripts); c.3185A>C, p.Gln1062Pro (NM_001413188.1, NM_001413193.1, NM_001413197.1); c.3779A>C, p.Gln1260Pro (NM_001413190.1); c.2360A>C, p.Gln787Pro (NM_001413196.1); short protein forms Q1062P, Q1260P, Q1262P, Q787P.
Identifiers: ClinVar variation 4997084 (VCV004997084.1).